The following is an entry in ClinVar:

NM_020806.5(GPHN):c.1732G>A (p.Gly578Ser)

Gene: GPHN (gephyrin; plus strand). Cytogenetic location: 14q23.3.
Variant type: single nucleotide variant.
Coding change: c.1732G>A on transcript NM_020806.5 (MANE Select); coding-DNA position 1732, G replaced by A.
Protein change: p.Gly578Ser; replaces glycine 578 with serine.
Molecular consequence: missense variant.
Genome position (GRCh38, 1-based): chr14:67,122,361, G>A. VCF-style: chr14-67122361-G-A. GRCh37 (hg19) VCF-style: chr14-67589078-G-A.
Other names: c.1633G>A, p.Gly545Ser (NM_001024218.2); c.1792G>A, p.Gly598Ser (NM_001377514.1); c.1762G>A, p.Gly588Ser (NM_001377515.1); c.1753G>A, p.Gly585Ser (NM_001377516.1); c.1705G>A, p.Gly569Ser (NM_001377517.1); c.1690G>A, p.Gly564Ser (NM_001377518.1); c.1672G>A, p.Gly558Ser (NM_001377519.1); short protein forms G564S, G578S, G585S, G545S, G558S, G569S, G588S, G598S.
Identifiers: ClinVar variation 1509174 (VCV001509174.8), dbSNP rs2153692294, ClinGen allele CA390259346.
Genomic context (GRCh38, chr14:67,122,361, plus strand): 5'-AGCAATCGTTCAACTCTTCTAGCAACAATTCAGGAACATGGTTACCCCACGATCAACTTG[G>A]GTATTGTAGGAGACAAGTAAGTATTTGATGTCATTCTGAAAAGTTTGTATTGTACAAATA-3'
Protein context (NP_065857.1, residues 568-588): QEHGYPTINL[Gly578Ser]IVGDNPDDLL

ClinVar aggregate classification (germline): Uncertain significance (1 of 4 stars; one submission).

Conditions:
Sulfite oxidase deficiency due to molybdenum cofactor deficiency type C. Also called: Molybdenum cofactor deficiency, complementation group C; Molybdenum cofactor deficiency C. Identifiers: Orphanet 308400, Orphanet 833, MedGen C1854990, MONDO:0014212, OMIM 615501.

gnomAD v4.1: 1 of 1,612,850 alleles (0.000062%); highest among the groups gnomAD compares: Non-Finnish European, 0.000085%; no homozygotes.

Submission:

Labcorp Genetics (formerly Invitae), Labcorp
Classification: Uncertain significance for Sulfite oxidase deficiency due to molybdenum cofactor deficiency type C. Last evaluated: 2021-12-02. Review status: criteria provided, single submitter. Criteria: Invitae Variant Classification Sherloc (09022015). Collection method: clinical testing. Allele origin: germline.
Comment: In summary, the available evidence is currently insufficient to determine the role of this variant in disease. Therefore, it has been classified as a Variant of Uncertain Significance. Algorithms developed to predict the effect of missense changes on protein structure and function are either unavailable or do not agree on the potential impact of this missense change (SIFT: "Tolerated"; PolyPhen-2: "Possibly Damaging"; Align-GVGD: "Class C0"). This missense change has been observed in individual(s) with autism spectrum disorder (PMID: 23393157). This variant is not present in population databases (gnomAD no frequency). This sequence change replaces glycine, which is neutral and non-polar, with serine, which is neutral and polar, at codon 578 of the GPHN protein (p.Gly578Ser).

Literature cited by the submitters: PubMed 23393157.